The following is an entry in ClinVar:

NM_017514.5(PLXNA3):c.3906C>T (p.Tyr1302=)

Gene: PLXNA3 (plexin A3; plus strand). Cytogenetic location: Xq28.
Variant type: single nucleotide variant.
Coding change: c.3906C>T on transcript NM_017514.5 (MANE Select); coding-DNA position 3906, C replaced by T.
Protein change: p.Tyr1302=; no amino-acid change (tyrosine 1302 retained).
Molecular consequence: synonymous variant.
Genome position (GRCh38, 1-based): chrX:154,468,167, C>T. VCF-style: chrX-154468167-C-T. GRCh37 (hg19) VCF-style: chrX-153696510-C-T.
Identifiers: ClinVar variation 3054802 (VCV003054802.2), dbSNP rs148871846, ClinGen allele CA10564747.

ClinVar aggregate classification (germline): Likely benign (0 of 4 stars; one submission).

Conditions:
PLXNA3-related disorder. Also called: PLXNA3-related condition.

Allele frequency attached by ClinVar (database versions not stated): 1000 Genomes Project 30x 0.00021; ExAC 0.00021; 1000 Genomes Project 0.00026; ESP Exome Variant Server 0.00057; gnomAD 0.00060; TOPMed 0.00064.
gnomAD v4.1: 137 of 1,187,626 alleles (0.012%); highest among the groups gnomAD compares: African/African-American, 0.19%; no homozygotes.

Submission:

PreventionGenetics, part of Exact Sciences
Classification: Likely benign for PLXNA3-related condition. Last evaluated: 2021-07-05. Review status: no assertion criteria provided. Collection method: clinical testing. Allele origin: germline.
Comment: This variant is classified as likely benign based on ACMG/AMP sequence variant interpretation guidelines (Richards et al. 2015 PMID: 25741868, with internal and published modifications).